The following is an entry in ClinVar:

ClinVar aggregate classification (germline): Uncertain significance. Review status: criteria provided, multiple submitters, no conflicts (2 of 4 stars). 3 submissions from 3 submitters: Uncertain significance (3). Last evaluated 2025-10-09.

Conditions:
Disseminated atypical mycobacterial infection. Identifiers: MedGen C0694566.
IFNGR1-related disorder. Also called: IFNGR1-related condition.

Allele frequency attached by ClinVar (database versions not stated): gnomAD exomes 0.00002 and 0.00003; ExAC 0.00003; gnomAD 0.00003 and 0.00004.

Submissions (3):

Labcorp Genetics (formerly Invitae), Labcorp
Classification: Uncertain significance for Disseminated atypical mycobacterial infection. Last evaluated: 2025-10-09. Review status: criteria provided, single submitter. Criteria: Invitae Variant Classification Sherloc (09022015). Collection method: clinical testing. Allele origin: germline.
Comment: This sequence change replaces isoleucine, which is neutral and non-polar, with valine, which is neutral and non-polar, at codon 183 of the IFNGR1 protein (p.Ile183Val). This variant is present in population databases (rs752756474, gnomAD 0.006%). This missense change has been observed in individual(s) with mycobacterial osteomyelitis (PMID: 27356097). ClinVar contains an entry for this variant (Variation ID: 639650). An algorithm developed to predict the effect of missense changes on protein structure and function outputs the following: PolyPhen-2: "Benign". The valine amino acid residue is found in multiple mammalian species, which suggests that this missense change does not adversely affect protein function. In summary, the available evidence is currently insufficient to determine the role of this variant in disease. Therefore, it has been classified as a Variant of Uncertain Significance.

PreventionGenetics, part of Exact Sciences
Classification: Uncertain significance for IFNGR1-related condition. Last evaluated: 2024-11-10. Review status: criteria provided, single submitter. Criteria: ACMG Guidelines, 2015. Collection method: clinical testing. Allele origin: germline.
Comment: The IFNGR1 c.547A>G variant is predicted to result in the amino acid substitution p.Ile183Val. This variant has been reported in the heterozygous state in a patient with mycobacterial osteoarticular lesions (Binczak-Kuleta et al. 2016. PubMed ID: 27356097). Analysis via Human Splicing Finder by Binczak-Kuleta et al. predicts this variant, found at the first nucleotide of exon 5, may alter splicing. However, other in silico splicing prediction programs predict no significant impact (Splice AI, Jaganathan et al. 2019. PubMed ID: 30661751; Alamut Visual v1.6.1). This variant is reported in 0.0071% of alleles in individuals of European (Non-Finnish) descent in gnomAD. At this time, the clinical significance of this variant is uncertain due to the absence of conclusive functional and genetic evidence.

Women's Health and Genetics/Laboratory Corporation of America, LabCorp
Classification: Uncertain significance. Last evaluated: 2021-08-23. Review status: criteria provided, single submitter. Criteria: LabCorp Variant Classification Summary - May 2015. Collection method: clinical testing. Allele origin: germline.
Comment: Variant summary: IFNGR1 c.547A>G (p.Ile183Val) results in a conservative amino acid change located in the Interferon gamma receptor, poxvirus/mammal of the encoded protein sequence. Five of five in-silico tools predict a benign effect of the variant on protein function. This variant impacts the first nucleotide of exon 5, and may therefore have an impact on splicing. 4/4 computational tools via alamut predict no significant impact on normal splicing. One published study reported the variant to be predicted to create an exonic splicing silencer (Binczak-Kuleta_2016). However, these predictions have yet to be confirmed by functional studies. The variant allele was found at a frequency of 3.2e-05 in 250082 control chromosomes. The available data on variant occurrences in the general population are insufficient to allow any conclusion about variant significance. c.547A>G has been reported in the literature in an individual diagnosed with osteoarticular lesions who tested positive for mycobacteria (Binczak-Kuleta_2016). This reports does not provide unequivocal conclusions about association of the variant with Immunodeficiency 27b. To our knowledge, no experimental evidence demonstrating an impact on protein function has been reported. One clinical diagnostic laboratory has submitted clinical-significance assessments for this variant to ClinVar after 2014 without evidence for independent evaluation. One laboratory classified the variant as uncertain significance. Based on the evidence outlined above, the variant was classified as uncertain significance.

Literature cited by the submitters: PubMed 27356097 (cited by Labcorp Genetics (formerly Invitae), Labcorp and Women's Health and Genetics/Laboratory Corporation of America, LabCorp); PubMed 28744922 (cited by Women's Health and Genetics/Laboratory Corporation of America, LabCorp).

NM_000416.3(IFNGR1):c.547A>G (p.Ile183Val)

Gene: IFNGR1 (interferon gamma receptor 1; minus strand). Cytogenetic location: 6q23.3.
Variant type: single nucleotide variant.
Coding change: c.547A>G on transcript NM_000416.3 (MANE Select); coding-DNA position 547, A replaced by G.
Protein change: p.Ile183Val; replaces isoleucine 183 with valine.
Molecular consequence: missense variant.
Genome position (GRCh38, 1-based): chr6:137,203,685, T>C on the plus strand (A>G on the coding strand, the complement: IFNGR1 is on the minus strand). VCF-style: chr6-137203685-T-C. GRCh37 (hg19) VCF-style: chr6-137524822-T-C.
Other names: c.517A>G, p.Ile173Val (NM_001363526.1); c.424A>G, p.Ile142Val (NM_001363527.1); short protein forms I142V, I173V, I183V.
Identifiers: ClinVar variation 639650 (VCV000639650.13), dbSNP rs752756474, ClinGen allele CA4018927.
Genomic context (GRCh38, chr6:137,203,685, plus strand): 5'-CTAACTGGCACTGAATCTCGTCACAATCATCTTCCTTCTGCGTGAGTATTTTATACTGGA[T>C]CTAGATGAAAAAAGAAAACAGTGAAAATGCACAGCTTCTTTTAATCTGAAAAAAAAAAAA-3'
Protein context (NP_000407.1, residues 173-193): NVYVRMNGSE[Ile183Val]QYKILTQKED